The following is an entry in ClinVar:

ClinVar aggregate classification (germline): Uncertain significance (1 of 4 stars; one submission).

Conditions:
Cardiovascular phenotype. Identifiers: MedGen CN230736.

Submission:

Ambry Genetics
Classification: Uncertain significance for Cardiovascular phenotype. Last evaluated: 2025-08-28. Review status: criteria provided, single submitter. Criteria: Ambry Variant Classification Scheme 2023. Collection method: clinical testing. Allele origin: germline.
Comment: The p.A134T variant (also known as c.400G>A) is located in coding exon 3 of the PCSK9 gene. The alanine at codon 134 is replaced by threonine, an amino acid with similar properties. This change occurs in the first base pair of coding exon 3. This amino acid position is conserved. In addition, the in silico prediction for this alteration is inconclusive. Based on the available evidence, the clinical significance of this variant remains unclear.

NM_174936.4(PCSK9):c.400G>A (p.Ala134Thr)

Gene: PCSK9 (proprotein convertase subtilisin/kexin type 9; plus strand). Cytogenetic location: 1p32.3.
Variant type: single nucleotide variant.
Coding change: c.400G>A on transcript NM_174936.4 (MANE Select); coding-DNA position 400, G replaced by A.
Protein change: p.Ala134Thr; replaces alanine 134 with threonine.
Molecular consequence: missense variant. On other transcripts: non-coding transcript variant (6), intron variant (1).
Genome position (GRCh38, 1-based): chr1:55,046,523, G>A. VCF-style: chr1-55046523-G-A. GRCh37 (hg19) VCF-style: chr1-55512196-G-A.
Other names: c.523G>A, p.Ala175Thr (NM_001407240.1); c.400G>A, p.Ala134Thr (NM_001407241.1, NM_001407242.1, NM_001407244.1 and 1 more transcripts); c.208G>A, p.Ala70Thr (NM_001407245.1); c.25G>A, p.Ala9Thr (NM_001407246.1); c.400-57G>A (NM_001407243.1); short protein forms A134T, A175T, A9T, A70T.
Identifiers: ClinVar variation 4133490 (VCV004133490.1).